The following is an entry in ClinVar:

ClinVar aggregate classification (germline): Uncertain significance (1 of 4 stars; one submission).

gnomAD v4.1: 41 of 1,613,144 alleles (0.0025%); highest among the groups gnomAD compares: African/African-American, 0.0013%; no homozygotes.

Submission:

Women's Health and Genetics/Laboratory Corporation of America, LabCorp
Classification: Uncertain significance. Last evaluated: 2024-12-17. Review status: criteria provided, single submitter. Criteria: LabCorp Variant Classification Summary - May 2015. Collection method: clinical testing. Allele origin: germline.
Comment: Variant summary: NBEAL2 c.5875G>A (p.Glu1959Lys) results in a conservative amino acid change in the encoded protein sequence. Four of five in-silico tools predict a benign effect of the variant on protein function. The variant allele was found at a frequency of 3.2e-05 in 248832 control chromosomes. The available data on variant occurrences in the general population are insufficient to allow any conclusion about variant significance. To our knowledge, no occurrence of c.5875G>A in individuals affected with Gray Platelet Syndrome and no experimental evidence demonstrating its impact on protein function have been reported. No submitters have cited clinical-significance assessments for this variant to ClinVar. Based on the evidence outlined above, the variant was classified as uncertain significance.

NM_015175.3(NBEAL2):c.5875G>A (p.Glu1959Lys)

Gene: NBEAL2 (neurobeachin like 2; plus strand). Cytogenetic location: 3p21.31.
Variant type: single nucleotide variant.
Coding change: c.5875G>A on transcript NM_015175.3 (MANE Select); coding-DNA position 5875, G replaced by A.
Protein change: p.Glu1959Lys; replaces glutamic acid 1959 with lysine.
Molecular consequence: missense variant.
Genome position (GRCh38, 1-based): chr3:47,003,970, G>A. VCF-style: chr3-47003970-G-A. GRCh37 (hg19) VCF-style: chr3-47045460-G-A.
Other names: c.5773G>A, p.Glu1925Lys (NM_001365116.2); short protein forms E1925K, E1959K.
Identifiers: ClinVar variation 3768572 (VCV003768572.1).